The following is an entry in ClinVar:

NM_001040108.2(MLH3):c.2141C>T (p.Ser714Phe)

Gene: MLH3 (mutL homolog 3; minus strand). Cytogenetic location: 14q24.3.
Variant type: single nucleotide variant.
Coding change: c.2141C>T on transcript NM_001040108.2 (MANE Select); coding-DNA position 2141, C replaced by T.
Protein change: p.Ser714Phe; replaces serine 714 with phenylalanine.
Molecular consequence: missense variant.
Genome position (GRCh38, 1-based): chr14:75,047,515, G>A on the plus strand (C>T on the coding strand, the complement: MLH3 is on the minus strand). VCF-style: chr14-75047515-G-A. GRCh37 (hg19) VCF-style: chr14-75514218-G-A.
Other names: c.2141C>T, p.Ser714Phe (NM_014381.3); short protein forms S714F.
Identifiers: ClinVar variation 3295113 (VCV003295113.1).
Genomic context (GRCh38, chr14:75,047,515, plus strand): 5'-ATTAATTTATCTGTTTTCCTACTATCATTGGAAACGTGTCTATACCAGGGGAAAGAGGGG[G>A]ATGTATCAGATAATATGCAATCTGTTTGTGATTTTTTGCTACCTTCCTGAAAAGCAGAAA-3'
Protein context (NP_001035197.1, residues 704-724): SQTDCILSDT[Ser714Phe]PSFPWYRHVS

ClinVar aggregate classification (germline): Uncertain significance (1 of 4 stars; one submission).

gnomAD v4.1: 1 of 1,613,988 alleles (0.000062%); highest among the groups gnomAD compares: Non-Finnish European, 0.000085%; no homozygotes.

Submission:

Ambry Genetics
Classification: Uncertain significance. Last evaluated: 2024-04-19. Review status: criteria provided, single submitter. Criteria: Ambry Variant Classification Scheme 2023. Collection method: clinical testing. Allele origin: germline.
Comment: The p.S714F variant (also known as c.2141C>T), located in coding exon 1 of the MLH3 gene, results from a C to T substitution at nucleotide position 2141. The serine at codon 714 is replaced by phenylalanine, an amino acid with highly dissimilar properties. This amino acid position is conserved. In addition, this alteration is predicted to be tolerated by in silico analysis. Based on the available evidence, the clinical significance of this variant remains unclear.